The following is an entry in ClinVar:

NM_018245.3(OGDHL):c.1259C>T (p.Thr420Met)

Gene: OGDHL (oxoglutarate dehydrogenase L; minus strand). Cytogenetic location: 10q11.23.
Variant type: single nucleotide variant.
Coding change: c.1259C>T on transcript NM_018245.3 (MANE Select); coding-DNA position 1259, C replaced by T.
Protein change: p.Thr420Met; replaces threonine 420 with methionine.
Molecular consequence: missense variant. On other transcripts: non-coding transcript variant (5).
Genome position (GRCh38, 1-based): chr10:49,746,787, G>A on the plus strand (C>T on the coding strand, the complement: OGDHL is on the minus strand). VCF-style: chr10-49746787-G-A. GRCh37 (hg19) VCF-style: chr10-50954833-G-A.
Other names: c.1088C>T, p.Thr363Met (NM_001143996.2, NM_001347820.1); c.632C>T, p.Thr211Met (NM_001143997.2, NM_001347821.2, NM_001347822.1 and 1 more transcripts); c.1259C>T, p.Thr420Met (NM_001347819.1, NM_001347823.1, NM_001347824.2); c.242C>T, p.Thr81Met (NM_001347826.1); short protein forms T211M, T363M, T420M, T81M.
Identifiers: ClinVar variation 3250863 (VCV003250863.18), dbSNP rs755634351.
Genomic context (GRCh38, chr10:49,746,787, plus strand): 5'-CAGCGTGGAGCCTACATGCTCACCTGGTTGTTGACGACGACGTGCACGGTACCATTGGTC[G>A]TGTAGGAGGGCAGGTCGCTCAGGTGGAAGGTCTCATATACCACGCCCTGGCCAGCAAAGG-3'
Protein context (NP_060715.2, residues 410-430): TFHLSDLPSY[Thr420Met]TNGTVHVVVN

ClinVar aggregate classification (germline): Uncertain significance (1 of 4 stars; one submission).

Allele frequency attached by ClinVar (database versions not stated): ExAC 0.00002; gnomAD 0.00002; gnomAD exomes 0.00003; TOPMed 0.00003.
gnomAD v4.1: 56 of 1,614,066 alleles (0.0035%); highest among the groups gnomAD compares: Middle Eastern, 0.016%; no homozygotes.

Submission:

CeGaT Center for Human Genetics Tuebingen
Classification: Uncertain significance. Last evaluated: 2024-06-01. Review status: criteria provided, single submitter. Criteria: CeGaT Center For Human Genetics Tuebingen Variant Classification Criteria Version 2. Collection method: clinical testing. Allele origin: germline. Affected: yes. Observed: 1 variant allele.
Comment: OGDHL: PM2, PP3